The following is an entry in ClinVar:

NM_016284.5(CNOT1):c.806+4G>A

Gene: CNOT1 (CCR4-NOT transcription complex subunit 1; minus strand). Cytogenetic location: 16q21.
Variant type: single nucleotide variant.
Coding change: c.806+4G>A on transcript NM_016284.5 (MANE Select); 4 bases into the intron after coding-DNA position 806, G replaced by A.
Molecular consequence: intron variant.
Genome position (GRCh38, 1-based): chr16:58,585,334, C>T on the plus strand (G>A on the coding strand, the complement: CNOT1 is on the minus strand). VCF-style: chr16-58585334-C-T. GRCh37 (hg19) VCF-style: chr16-58619238-C-T.
Other names: c.806+4G>A (NM_001265612.2, NM_206999.3).
Identifiers: ClinVar variation 2019316 (VCV002019316.4), dbSNP rs2544096797, ClinGen allele CA2580091750.
Genomic context (GRCh38, chr16:58,585,334, plus strand): 5'-TTTAAAGAATTACATCATGTTTGGCACAAGAATAATCAGAAGCTTAACACATTTTACTAC[C>T]AACCTTGCACAAAAGCCATAGCCTACTTCTTGCATGAAATCAGCCAAAGAGCTCTCCATC-3'

ClinVar aggregate classification (germline): Uncertain significance (1 of 4 stars; one submission).

Submission:

Labcorp Genetics (formerly Invitae), Labcorp
Classification: Uncertain significance. Last evaluated: 2022-08-06. Review status: criteria provided, single submitter. Criteria: Invitae Variant Classification Sherloc (09022015). Collection method: clinical testing. Allele origin: germline.
Comment: In summary, the available evidence is currently insufficient to determine the role of this variant in disease. Therefore, it has been classified as a Variant of Uncertain Significance. Variants that disrupt the consensus splice site are a relatively common cause of aberrant splicing (PMID: 17576681, 9536098). Algorithms developed to predict the effect of sequence changes on RNA splicing suggest that this variant may disrupt the consensus splice site. This variant has not been reported in the literature in individuals affected with CNOT1-related conditions. This variant is not present in population databases (gnomAD no frequency). This sequence change falls in intron 8 of the CNOT1 gene. It does not directly change the encoded amino acid sequence of the CNOT1 protein. It affects a nucleotide within the consensus splice site.

Literature cited by the submitters: PubMed 17576681; PubMed 9536098.